The following is an entry in ClinVar:

NM_001377.3(DYNC2H1):c.12156+1G>T

Gene: DYNC2H1 (dynein cytoplasmic 2 heavy chain 1; plus strand). Cytogenetic location: 11q22.3.
Variant type: single nucleotide variant.
Coding change: c.12156+1G>T on transcript NM_001377.3 (MANE Select); the canonical splice donor site of the intron after coding-DNA position 12156, G replaced by T.
Molecular consequence: splice donor variant.
Genome position (GRCh38, 1-based): chr11:103,358,360, G>T. VCF-style: chr11-103358360-G-T. GRCh37 (hg19) VCF-style: chr11-103229088-G-T.
Other names: c.12177+1G>T (NM_001080463.2).
Identifiers: ClinVar variation 2724983 (VCV002724983.3), dbSNP rs794727944, ClinGen allele CA382260045.

ClinVar aggregate classification (germline): Pathogenic (1 of 4 stars; one submission).

Conditions:
Jeune thoracic dystrophy. Also called: Short-rib thoracic dysplasia; Jeune syndrome; Infantile thoracic dystrophy; Thoracic pelvic phalangeal dystrophy; Jeune's syndrome; Chondroectodermal dysplasia-like syndrome. Identifiers: Orphanet 474, MedGen C0265275, MONDO:0018770.

Allele frequency attached by ClinVar (database versions not stated): gnomAD exomes below 0.00001.
gnomAD v4.1: 3 of 1,541,038 alleles (0.00019%); highest among the groups gnomAD compares: East Asian, 0.0023%; no homozygotes.

Submission:

Labcorp Genetics (formerly Invitae), Labcorp
Classification: Pathogenic for Jeune thoracic dystrophy. Last evaluated: 2024-07-08. Review status: criteria provided, single submitter. Criteria: Invitae Variant Classification Sherloc (09022015). Collection method: clinical testing. Allele origin: germline.
Comment: This sequence change affects a donor splice site in intron 84 of the DYNC2H1 gene. It is expected to disrupt RNA splicing. Variants that disrupt the donor or acceptor splice site typically lead to a loss of protein function (PMID: 16199547), and loss-of-function variants in DYNC2H1 are known to be pathogenic (PMID: 23339108, 32753734, 33755199). The frequency data for this variant in the population databases is considered unreliable, as metrics indicate poor data quality at this position in the gnomAD database. Disruption of this splice site has been observed in individual(s) with clinical features of DYNC2H1-related conditions (Invitae). In at least one individual the data is consistent with being in trans (on the opposite chromosome) from a pathogenic variant. Algorithms developed to predict the effect of sequence changes on RNA splicing suggest that this variant may disrupt the consensus splice site. For these reasons, this variant has been classified as Pathogenic.

Literature cited by the submitters: PubMed 16199547; PubMed 23339108; PubMed 32753734; PubMed 33755199.